The following is an entry in ClinVar:

NM_014516.4(CNOT3):c.1249G>A (p.Gly417Ser)

Gene: CNOT3 (CCR4-NOT transcription complex subunit 3; plus strand). Cytogenetic location: 19q13.42.
Variant type: single nucleotide variant.
Coding change: c.1249G>A on transcript NM_014516.4 (MANE Select); coding-DNA position 1249, G replaced by A.
Protein change: p.Gly417Ser; replaces glycine 417 with serine.
Molecular consequence: missense variant.
Genome position (GRCh38, 1-based): chr19:54,148,502, G>A. VCF-style: chr19-54148502-G-A. GRCh37 (hg19) VCF-style: chr19-54652237-G-A.
Other names: short protein forms G417S.
Identifiers: ClinVar variation 1973660 (VCV001973660.5), dbSNP rs587594795, ClinGen allele CA309339673.

ClinVar aggregate classification (germline): Uncertain significance (1 of 4 stars; one submission).

Allele frequency attached by ClinVar (database versions not stated): 1000 Genomes Project 30x 0.00016; 1000 Genomes Project 0.00020.
gnomAD v4.1: 108 of 1,559,434 alleles (0.0069%); highest among the groups gnomAD compares: Non-Finnish European, 0.0083%; no homozygotes.

Submission:

Labcorp Genetics (formerly Invitae), Labcorp
Classification: Uncertain significance. Last evaluated: 2022-07-26. Review status: criteria provided, single submitter. Criteria: Invitae Variant Classification Sherloc (09022015). Collection method: clinical testing. Allele origin: germline.
Comment: This sequence change replaces glycine, which is neutral and non-polar, with serine, which is neutral and polar, at codon 417 of the CNOT3 protein (p.Gly417Ser). This variant is present in population databases (rs587594795, gnomAD 0.02%). This variant has not been reported in the literature in individuals affected with CNOT3-related conditions. Algorithms developed to predict the effect of missense changes on protein structure and function output the following: SIFT: "Tolerated"; PolyPhen-2: "Benign"; Align-GVGD: "Class C0". The serine amino acid residue is found in multiple mammalian species, which suggests that this missense change does not adversely affect protein function. In summary, the available evidence is currently insufficient to determine the role of this variant in disease. Therefore, it has been classified as a Variant of Uncertain Significance.